The following is an entry in ClinVar:

NM_001089.3(ABCA3):c.2992C>T (p.Arg998Cys)

Gene: ABCA3 (ATP binding cassette subfamily A member 3; minus strand). Cytogenetic location: 16p13.3.
Variant type: single nucleotide variant.
Coding change: c.2992C>T on transcript NM_001089.3 (MANE Select); coding-DNA position 2992, C replaced by T.
Protein change: p.Arg998Cys; replaces arginine 998 with cysteine.
Molecular consequence: missense variant.
Genome position (GRCh38, 1-based): chr16:2,288,038, G>A on the plus strand (C>T on the coding strand, the complement: ABCA3 is on the minus strand). VCF-style: chr16-2288038-G-A. GRCh37 (hg19) VCF-style: chr16-2338039-G-A.
Other names: c.2992C>T (NM_001089.2); short protein forms R998C.
Identifiers: ClinVar variation 2955661 (VCV002955661.4), dbSNP rs374123670, ClinGen allele CA7840651.
Genomic context (GRCh38, chr16:2,288,038, plus strand): 5'-CAGGACTGGCCCCCGATGCCCCCGTCCCGCCCCCGGGATGCCCCTTACCGAGCACCTCGC[G>A]GGGCTCCTGTCCCTCAGCCTGCAGTGCGTCTTTCAGATGCTCTGACAGCTGCTGACCCAG-3'
Protein context (NP_001080.2, residues 988-1008): DALQAEGQEP[Arg998Cys]EVLGDLEEFL

ClinVar aggregate classification (germline): Uncertain significance. Review status: criteria provided, multiple submitters, no conflicts (2 of 4 stars). 2 submissions from 2 submitters: Uncertain significance (2). Last evaluated 2024-08-27.

Conditions:
Hereditary pulmonary alveolar proteinosis. Also called: Pulmonary surfactant metabolism dysfunction. Identifiers: Orphanet 264675, MedGen C3711368, MONDO:0012580.

Allele frequency attached by ClinVar (database versions not stated): gnomAD 0.00001; TOPMed 0.00001; ExAC 0.00002; ESP Exome Variant Server 0.00008.
gnomAD v4.1: 31 of 1,608,106 alleles (0.0019%); highest among the groups gnomAD compares: South Asian, 0.012%; no homozygotes.

Submissions (2):

Ambry Genetics
Classification: Uncertain significance for Hereditary pulmonary alveolar proteinosis. Last evaluated: 2024-08-27. Review status: criteria provided, single submitter. Criteria: Ambry Variant Classification Scheme 2023. Collection method: clinical testing. Allele origin: germline.

Labcorp Genetics (formerly Invitae), Labcorp
Classification: Uncertain significance. Last evaluated: 2023-12-09. Review status: criteria provided, single submitter. Criteria: Invitae Variant Classification Sherloc (09022015). Collection method: clinical testing. Allele origin: germline.
Comment: This sequence change replaces arginine, which is basic and polar, with cysteine, which is neutral and slightly polar, at codon 998 of the ABCA3 protein (p.Arg998Cys). This variant is present in population databases (rs374123670, gnomAD 0.01%). This variant has not been reported in the literature in individuals affected with ABCA3-related conditions. Advanced modeling of protein sequence and biophysical properties (such as structural, functional, and spatial information, amino acid conservation, physicochemical variation, residue mobility, and thermodynamic stability) performed at Invitae indicates that this missense variant is not expected to disrupt ABCA3 protein function with a negative predictive value of 80%. In summary, the available evidence is currently insufficient to determine the role of this variant in disease. Therefore, it has been classified as a Variant of Uncertain Significance.